The following is an entry in ClinVar:

NM_145059.3(FCSK):c.2611G>C (p.Val871Leu)

Gene: FCSK (fucose kinase; plus strand). Cytogenetic location: 16q22.1.
Variant type: single nucleotide variant.
Coding change: c.2611G>C on transcript NM_145059.3 (MANE Select); coding-DNA position 2611, G replaced by C.
Protein change: p.Val871Leu; replaces valine 871 with leucine.
Molecular consequence: missense variant.
Genome position (GRCh38, 1-based): chr16:70,475,737, G>C. VCF-style: chr16-70475737-G-C. GRCh37 (hg19) VCF-style: chr16-70509640-G-C.
Other names: short protein forms V871L.
Identifiers: ClinVar variation 5019432 (VCV005019432.2).

ClinVar aggregate classification (germline): Uncertain significance (1 of 4 stars; one submission).

Conditions:
Congenital disorder of glycosylation with defective fucosylation 2 (CDGF2). Identifiers: MedGen C5193028, MONDO:0020777, OMIM 618324.

Submission:

Juno Genomics, Hangzhou Juno Genomics, Inc
Classification: Uncertain significance for Congenital disorder of glycosylation with defective fucosylation 2. Review status: criteria provided, single submitter. Criteria: ACMG Guidelines, 2015. Collection method: clinical testing. Allele origin: germline.
Comment: Absent from controls (or at extremely low frequency if recessive) in Genome Aggregation Database.;Multiple lines of computational evidence support a deleterious effect on the gene or gene product.